The following is an entry in ClinVar:

NM_032043.3(BRIP1):c.2218del (p.Gln740fs)

Gene: BRIP1 (BRCA1 interacting DNA helicase 1; minus strand). Cytogenetic location: 17q23.2.
Variant type: Deletion.
Coding change: c.2218del on transcript NM_032043.3 (MANE Select); coding-DNA position 2218, one base deleted (C; older notation c.2218delC).
Protein change: p.Gln740fs; shifts the reading frame from glutamine 740.
Molecular consequence: frameshift variant.
Genome position (GRCh38, 1-based): chr17:61,744,471, G deleted on the plus strand (C on the coding strand, the reverse complement: BRIP1 is on the minus strand). VCF-style (leftmost placement, unchanged base first): chr17-61744470-TG-T. GRCh37 (hg19) VCF-style: chr17-59821831-TG-T.
Other names: c.2218delC (NM_032043.2); short protein forms Q740fs.
Identifiers: ClinVar variation 461041 (VCV000461041.14), dbSNP rs1555591365, ClinGen allele CA658658665.

ClinVar aggregate classification (germline): Pathogenic. Review status: criteria provided, multiple submitters, no conflicts (2 of 4 stars). 3 submissions from 3 submitters: Pathogenic (3). Last evaluated 2024-04-30.

Conditions:
Hereditary cancer-predisposing syndrome. Also called: Hereditary neoplastic syndrome; Neoplastic Syndromes, Hereditary; Tumor predisposition; Hereditary Cancer Syndrome. Identifiers: Orphanet 140162, MedGen C0027672, MeSH D009386, MONDO:0015356.
Fanconi anemia complementation group J. Also called: BRIP1-Related Fanconi Anemia. Identifiers: Orphanet 84, MedGen C1836860, MONDO:0012187, OMIM 609054.
Familial cancer of breast. Also called: BREAST CANCER, FAMILIAL; hereditary breast carcinoma; Hereditary breast cancer. Identifiers: Orphanet 227535, MedGen C0346153, MONDO:0016419, OMIM 114480. Disease mechanism: loss of function.

Submissions (3):

Labcorp Genetics (formerly Invitae), Labcorp
Classification: Pathogenic for Familial cancer of breast; Fanconi anemia complementation group J. Last evaluated: 2024-04-30. Review status: criteria provided, single submitter. Criteria: Invitae Variant Classification Sherloc (09022015). Collection method: clinical testing. Allele origin: germline.
Comment: This sequence change creates a premature translational stop signal (p.Gln740Argfs*19) in the BRIP1 gene. It is expected to result in an absent or disrupted protein product. Loss-of-function variants in BRIP1 are known to be pathogenic (PMID: 16116423, 17033622, 21964575). This variant is not present in population databases (gnomAD no frequency). This variant has not been reported in the literature in individuals affected with BRIP1-related conditions. ClinVar contains an entry for this variant (Variation ID: 461041). For these reasons, this variant has been classified as Pathogenic.

Ambry Genetics
Classification: Pathogenic for Hereditary cancer-predisposing syndrome. Last evaluated: 2023-06-07. Review status: criteria provided, single submitter. Criteria: Ambry Variant Classification Scheme 2023. Collection method: clinical testing. Allele origin: germline.
Comment: The c.2218delC pathogenic mutation, located in coding exon 14 of the BRIP1 gene, results from a deletion of one nucleotide at nucleotide position 2218, causing a translational frameshift with a predicted alternate stop codon (p.Q740Rfs*19). This variant is considered to be rare based on population cohorts in the Genome Aggregation Database (gnomAD). This alteration is expected to result in loss of function by premature protein truncation or nonsense-mediated mRNA decay. As such, this alteration is interpreted as a disease-causing mutation.

Myriad Genetics, Inc.
Classification: Pathogenic for Familial cancer of breast. Last evaluated: 2023-06-06. Review status: criteria provided, single submitter. Criteria: Myriad Autosomal Dominant, Autosomal Recessive and X-Linked Classification Criteria (2023). Collection method: clinical testing. Allele origin: unknown.
Comment: This variant is considered pathogenic. This variant creates a frameshift predicted to result in premature protein truncation.

Literature cited by the submitters: PubMed 16116423 (cited by Labcorp Genetics (formerly Invitae), Labcorp); PubMed 17033622 (cited by Labcorp Genetics (formerly Invitae), Labcorp); PubMed 21964575 (cited by Labcorp Genetics (formerly Invitae), Labcorp).